The following is an entry in ClinVar:

ClinVar aggregate classification (germline): Pathogenic (1 of 4 stars; one submission).

Submission:

Labcorp Genetics (formerly Invitae), Labcorp
Classification: Pathogenic. Last evaluated: 2023-10-06. Review status: criteria provided, single submitter. Criteria: Invitae Variant Classification Sherloc (09022015). Collection method: clinical testing. Allele origin: germline.
Comment: This sequence change creates a premature translational stop signal (p.Ser630Leufs*10) in the MME gene. It is expected to result in an absent or disrupted protein product. Loss-of-function variants in MME are known to be pathogenic (PMID: 26991897). This variant is not present in population databases (gnomAD no frequency). This variant has not been reported in the literature in individuals affected with MME-related conditions. For these reasons, this variant has been classified as Pathogenic.

Literature cited by the submitters: PubMed 26991897.

NM_007289.4(MME):c.1887_1888del (p.Ser630fs)

Gene: MME (membrane metalloendopeptidase; plus strand). Cytogenetic location: 3q25.2.
Variant type: Deletion.
Coding change: c.1887_1888del on transcript NM_007289.4 (MANE Select); coding-DNA positions 1887 to 1888, 2 bases deleted (TT; older notation c.1887_1888delTT).
Protein change: p.Ser630fs; shifts the reading frame from serine 630.
Molecular consequence: frameshift variant.
Genome position (GRCh38, 1-based): chr3:155,168,598-155,168,599, TT deleted; deleting any 2 consecutive bases within chr3:155,168,596-155,168,599 gives the same sequence; the c. name uses the placement nearest the transcript's 3' end. VCF-style (leftmost placement, unchanged base first): chr3-155168595-CTT-C. GRCh37 (hg19) VCF-style: chr3-154886384-CTT-C.
Other names: c.1887_1888del, p.Ser630fs (NM_000902.5, NM_001354642.2, NM_001354643.1 and 2 more transcripts); short protein forms S630fs.
Identifiers: ClinVar variation 2766250 (VCV002766250.3), dbSNP rs1711573891, ClinGen allele CA1055210138.